The following is an entry in ClinVar:

NM_000132.4(F8):c.2092T>G (p.Phe698Val)

Gene: F8 (coagulation factor VIII; minus strand). Cytogenetic location: Xq28.
Variant type: single nucleotide variant.
Coding change: c.2092T>G on transcript NM_000132.4 (MANE Select); coding-DNA position 2092, T replaced by G.
Protein change: p.Phe698Val; replaces phenylalanine 698 with valine.
Molecular consequence: missense variant.
Genome position (GRCh38, 1-based): chrX:154,947,719, A>C on the plus strand (T>G on the coding strand, the complement: F8 is on the minus strand). VCF-style: chrX-154947719-A-C. GRCh37 (hg19) VCF-style: chrX-154175994-A-C.
Other names: short protein forms F698V.
Identifiers: ClinVar variation 2920968 (VCV002920968.1), dbSNP rs2523932864, ClinGen allele CA414908995.

ClinVar aggregate classification (germline): Uncertain significance (1 of 4 stars; one submission).

Submission:

ARUP Laboratories, Molecular Genetics and Genomics, ARUP Laboratories
Classification: Uncertain significance. Last evaluated: 2023-08-01. Review status: criteria provided, single submitter. Criteria: ARUP Molecular Germline Variant Investigation Process 2024. Collection method: clinical testing. Allele origin: germline.
Comment: The F8 c.2092T>G; p.Phe698Val variant, to our knowledge, is not reported in the medical literature or gene specific databases. This variant is also absent from the Genome Aggregation Database, indicating it is not a common polymorphism. Computational analyses predict that this variant is deleterious (REVEL: 0.754). Due to limited information, the clinical significance of this variant is uncertain at this time.